The following is an entry in ClinVar:

NM_003240.5(LEFTY2):c.788G>A (p.Cys263Tyr)

Gene: LEFTY2 (left-right determination factor 2; minus strand). Cytogenetic location: 1q42.12.
Variant type: single nucleotide variant.
Coding change: c.788G>A on transcript NM_003240.5 (MANE Select); coding-DNA position 788, G replaced by A.
Protein change: p.Cys263Tyr; replaces cysteine 263 with tyrosine.
Molecular consequence: missense variant.
Genome position (GRCh38, 1-based): chr1:225,937,754, C>T on the plus strand (G>A on the coding strand, the complement: LEFTY2 is on the minus strand). VCF-style: chr1-225937754-C-T. GRCh37 (hg19) VCF-style: chr1-226125454-C-T.
Other names: c.686G>A, p.Cys229Tyr (NM_001172425.3); short protein forms C263Y, C229Y.
Identifiers: ClinVar variation 3020612 (VCV003020612.3), dbSNP rs758883303, ClinGen allele CA1420477.

ClinVar aggregate classification (germline): Uncertain significance (1 of 4 stars; one submission).

Conditions:
Left-right axis malformations. Identifiers: MedGen C1866091.

Allele frequency attached by ClinVar (database versions not stated): gnomAD exomes below 0.00001; ExAC 0.00001.

Submission:

Labcorp Genetics (formerly Invitae), Labcorp
Classification: Uncertain significance for Left-right axis malformations. Last evaluated: 2023-01-02. Review status: criteria provided, single submitter. Criteria: Invitae Variant Classification Sherloc (09022015). Collection method: clinical testing. Allele origin: germline.
Comment: This sequence change replaces cysteine, which is neutral and slightly polar, with tyrosine, which is neutral and polar, at codon 263 of the LEFTY2 protein (p.Cys263Tyr). This variant is present in population databases (rs758883303, gnomAD 0.003%). This variant has not been reported in the literature in individuals affected with LEFTY2-related conditions. Advanced modeling of protein sequence and biophysical properties (such as structural, functional, and spatial information, amino acid conservation, physicochemical variation, residue mobility, and thermodynamic stability) performed at Invitae indicates that this missense variant is expected to disrupt LEFTY2 protein function. In summary, the available evidence is currently insufficient to determine the role of this variant in disease. Therefore, it has been classified as a Variant of Uncertain Significance.